The following is an entry in ClinVar:

NM_001364905.1(LRBA):c.1318C>T (p.Pro440Ser)

Gene: LRBA (LPS responsive beige-like anchor protein; minus strand). Cytogenetic location: 4q31.3.
Variant type: single nucleotide variant.
Coding change: c.1318C>T on transcript NM_001364905.1 (MANE Select); coding-DNA position 1318, C replaced by T.
Protein change: p.Pro440Ser; replaces proline 440 with serine.
Molecular consequence: missense variant.
Genome position (GRCh38, 1-based): chr4:150,908,701, G>A on the plus strand (C>T on the coding strand, the complement: LRBA is on the minus strand). VCF-style: chr4-150908701-G-A. GRCh37 (hg19) VCF-style: chr4-151829853-G-A.
Other names: c.1318C>T, p.Pro440Ser (NM_006726.5, NM_001199282.3, NM_001367550.1); short protein forms P440S.
Identifiers: ClinVar variation 2121335 (VCV002121335.4), dbSNP rs1731615926, ClinGen allele CA358433531.

ClinVar aggregate classification (germline): Uncertain significance (1 of 4 stars; one submission).

Conditions:
Combined immunodeficiency due to LRBA deficiency. Also called: Common variable immunodeficiency 8, with autoimmunity. Identifiers: Orphanet 445018, MedGen C3553512, MONDO:0013863, OMIM 614700.

Submission:

Labcorp Genetics (formerly Invitae), Labcorp
Classification: Uncertain significance for Combined immunodeficiency due to LRBA deficiency. Last evaluated: 2022-04-04. Review status: criteria provided, single submitter. Criteria: Invitae Variant Classification Sherloc (09022015). Collection method: clinical testing. Allele origin: germline.
Comment: This variant is not present in population databases (gnomAD no frequency). This variant has not been reported in the literature in individuals affected with LRBA-related conditions. Algorithms developed to predict the effect of missense changes on protein structure and function output the following: SIFT: "Tolerated"; PolyPhen-2: "Possibly Damaging"; Align-GVGD: "Class C0". The serine amino acid residue is found in multiple mammalian species, which suggests that this missense change does not adversely affect protein function. In summary, the available evidence is currently insufficient to determine the role of this variant in disease. Therefore, it has been classified as a Variant of Uncertain Significance. This sequence change replaces proline, which is neutral and non-polar, with serine, which is neutral and polar, at codon 440 of the LRBA protein (p.Pro440Ser).